The following is an entry in ClinVar:

ClinVar aggregate classification (germline): Uncertain significance (1 of 4 stars; one submission).

Conditions:
Inborn genetic diseases. Identifiers: MedGen C0950123, MeSH D030342.

gnomAD v4.1: 34 of 1,591,176 alleles (0.0021%); highest among the groups gnomAD compares: Non-Finnish European, 0.0028%; no homozygotes.

Submission:

Ambry Genetics
Classification: Uncertain significance for Inborn genetic diseases. Last evaluated: 2026-04-20. Review status: criteria provided, single submitter. Criteria: Ambry Variant Classification Scheme 2023. Collection method: clinical testing. Allele origin: germline.
Comment: The c.2036G>C (p.S679T) alteration is located in exon 14 (coding exon 13) of the RBBP8 gene. This alteration results from a G to C substitution at nucleotide position 2036, causing the serine (S) at amino acid position 679 to be replaced by a threonine (T). Based on data from gnomAD, the C allele has an overall frequency of 0.001% (3/271254) total alleles studied. The highest observed frequency was 0.003% (3/122400) of European (non-Finnish) alleles. Based on insufficient or conflicting evidence, the clinical significance of this alteration remains unclear.

NM_002894.3(RBBP8):c.2036G>C (p.Ser679Thr)

Gene: RBBP8 (RB binding protein 8, endonuclease; plus strand). Cytogenetic location: 18q11.2.
Variant type: single nucleotide variant.
Coding change: c.2036G>C on transcript NM_002894.3 (MANE Select); coding-DNA position 2036, G replaced by C.
Protein change: p.Ser679Thr; replaces serine 679 with threonine.
Molecular consequence: missense variant.
Genome position (GRCh38, 1-based): chr18:22,997,627, G>C. VCF-style: chr18-22997627-G-C. GRCh37 (hg19) VCF-style: chr18-20577590-G-C.
Other names: c.2036G>C, p.Ser679Thr (NM_203291.2, NM_203292.2); short protein forms S679T.
Identifiers: ClinVar variation 4863049 (VCV004863049.1).